The following is an entry in ClinVar:

NM_020631.6(PLEKHG5):c.1356G>A (p.Leu452=)

Gene: PLEKHG5 (pleckstrin homology and RhoGEF domain containing G5; minus strand). Cytogenetic location: 1p36.31.
Variant type: single nucleotide variant.
Coding change: c.1356G>A on transcript NM_020631.6 (MANE Select); coding-DNA position 1356, G replaced by A.
Protein change: p.Leu452=; no amino-acid change (leucine 452 retained).
Molecular consequence: synonymous variant.
Genome position (GRCh38, 1-based): chr1:6,471,026, C>T on the plus strand (G>A on the coding strand, the complement: PLEKHG5 is on the minus strand). VCF-style: chr1-6471026-C-T. GRCh37 (hg19) VCF-style: chr1-6531086-C-T.
Other names: c.1467G>A, p.Leu489= (NM_001042663.3, NM_001265592.2); c.1356G>A, p.Leu452= (NM_001042664.2, NM_001042665.2, NM_001265594.3 and 1 more transcripts); c.1563G>A, p.Leu521= (NM_001265593.2).
Identifiers: ClinVar variation 516478 (VCV000516478.11), dbSNP rs775124601, ClinGen allele CA561552.

ClinVar aggregate classification (germline): Likely benign. Review status: criteria provided, multiple submitters, no conflicts (2 of 4 stars). 3 submissions from 3 submitters: Likely benign (3). Last evaluated 2026-01-18.

Conditions:
Inborn genetic diseases. Identifiers: MedGen C0950123, MeSH D030342.
Neuronopathy, distal hereditary motor, autosomal recessive 4. Also called: NEUROPATHY, DISTAL HEREDITARY MOTOR, AUTOSOMAL RECESSIVE 4; Autosomal recessive lower motor neuron disease with childhood onset. Identifiers: Orphanet 206580, MedGen C1970211, MONDO:0012608, OMIM 611067.
Charcot-Marie-Tooth disease recessive intermediate C. Also called: CHARCOT-MARIE-TOOTH NEUROPATHY, RECESSIVE INTERMEDIATE C. Identifiers: Orphanet 369867, MedGen C3809309, MONDO:0014154, OMIM 615376.

Allele frequency attached by ClinVar (database versions not stated): gnomAD 0.00002 and 0.00003; TOPMed 0.00002; gnomAD exomes 0.00014; ExAC 0.00015; 1000 Genomes Project 30x 0.00031.
gnomAD v4.1: 43 of 1,606,470 alleles (0.0027%); highest among the groups gnomAD compares: Admixed American, 0.069%; no homozygotes.

Submissions (3):

Labcorp Genetics (formerly Invitae), Labcorp
Classification: Likely benign for Neuronopathy, distal hereditary motor, autosomal recessive 4; Charcot-Marie-Tooth disease recessive intermediate C. Last evaluated: 2026-01-18. Review status: criteria provided, single submitter. Criteria: Invitae Variant Classification Sherloc (09022015). Collection method: clinical testing. Allele origin: germline.

Ambry Genetics
Classification: Likely benign for Inborn genetic diseases. Last evaluated: 2019-07-11. Review status: criteria provided, single submitter. Criteria: Ambry Variant Classification Scheme 2023. Collection method: clinical testing. Allele origin: germline.

GeneDx
Classification: Likely benign. Last evaluated: 2017-03-30. Review status: criteria provided, single submitter. Criteria: GeneDx Variant Classification (06012015). Collection method: clinical testing. Allele origin: germline. Affected: yes.
Comment: This variant is considered likely benign or benign based on one or more of the following criteria: it is a conservative change, it occurs at a poorly conserved position in the protein, it is predicted to be benign by multiple in silico algorithms, and/or has population frequency not consistent with disease.